The following is an entry in ClinVar:

NM_004655.4(AXIN2):c.2029C>T (p.His677Tyr)

Gene: AXIN2 (axin 2; minus strand). Cytogenetic location: 17q24.1.
Variant type: single nucleotide variant.
Coding change: c.2029C>T on transcript NM_004655.4 (MANE Select); coding-DNA position 2029, C replaced by T.
Protein change: p.His677Tyr; replaces histidine 677 with tyrosine.
Molecular consequence: missense variant.
Genome position (GRCh38, 1-based): chr17:65,536,432, G>A on the plus strand (C>T on the coding strand, the complement: AXIN2 is on the minus strand). VCF-style: chr17-65536432-G-A. GRCh37 (hg19) VCF-style: chr17-63532550-G-A.
Other names: c.1834C>T, p.His612Tyr (NM_001363813.1); short protein forms H612Y, H677Y.
Identifiers: ClinVar variation 1040615 (VCV001040615.12), dbSNP rs2043917474, ClinGen allele CA400676133.

ClinVar aggregate classification (germline): Uncertain significance. Review status: criteria provided, multiple submitters, no conflicts (2 of 4 stars). 3 submissions from 3 submitters: Uncertain significance (3). Last evaluated 2024-03-27.

Conditions:
Hereditary cancer-predisposing syndrome. Also called: Hereditary Cancer Syndrome; Tumor predisposition; Hereditary neoplastic syndrome; Neoplastic Syndromes, Hereditary. Identifiers: Orphanet 140162, MedGen C0027672, MeSH D009386, MONDO:0015356.
Colorectal cancer. Also called: Malignant Colorectal Neoplasm; Colorectal cancer, somatic. Identifiers: MedGen C0346629, MONDO:0005575, OMIM 114500.
Oligodontia-cancer predisposition syndrome. Also called: TOOTH AGENESIS-COLORECTAL CANCER SYNDROME. Identifiers: Orphanet 300576, MedGen C1837750, MONDO:0012075, OMIM 608615. Disease mechanism: loss of function.

Submissions (3):

Baylor Genetics
Classification: Uncertain significance for Colorectal cancer. Last evaluated: 2024-03-27. Review status: criteria provided, single submitter. Criteria: ACMG Guidelines, 2015. Collection method: clinical testing. Allele origin: unknown.

Labcorp Genetics (formerly Invitae), Labcorp
Classification: Uncertain significance for Oligodontia-cancer predisposition syndrome. Last evaluated: 2023-04-11. Review status: criteria provided, single submitter. Criteria: Invitae Variant Classification Sherloc (09022015). Collection method: clinical testing. Allele origin: germline.
Comment: This variant is not present in population databases (gnomAD no frequency). This sequence change replaces histidine, which is basic and polar, with tyrosine, which is neutral and polar, at codon 677 of the AXIN2 protein (p.His677Tyr). This variant has not been reported in the literature in individuals affected with AXIN2-related conditions. In summary, the available evidence is currently insufficient to determine the role of this variant in disease. Therefore, it has been classified as a Variant of Uncertain Significance. Advanced modeling of protein sequence and biophysical properties (such as structural, functional, and spatial information, amino acid conservation, physicochemical variation, residue mobility, and thermodynamic stability) performed at Invitae indicates that this missense variant is expected to disrupt AXIN2 protein function. ClinVar contains an entry for this variant (Variation ID: 1040615).

Ambry Genetics
Classification: Uncertain significance for Hereditary cancer-predisposing syndrome. Last evaluated: 2021-06-03. Review status: criteria provided, single submitter. Criteria: Ambry Variant Classification Scheme 2023. Collection method: clinical testing. Allele origin: germline.
Comment: The p.H677Y variant (also known as c.2029C>T), located in coding exon 7 of the AXIN2 gene, results from a C to T substitution at nucleotide position 2029. The histidine at codon 677 is replaced by tyrosine, an amino acid with similar properties. This amino acid position is highly conserved in available vertebrate species. In addition, the in silico prediction for this alteration is inconclusive. Since supporting evidence is limited at this time, the clinical significance of this alteration remains unclear.